The following is an entry in ClinVar:

NM_003000.3(SDHB):c.606_617del (p.Gly203_Tyr206del)

Gene: SDHB (succinate dehydrogenase complex iron sulfur subunit B; minus strand). Cytogenetic location: 1p36.13.
Variant type: Deletion.
Coding change: c.606_617del on transcript NM_003000.3 (MANE Select); coding-DNA positions 606 to 617, 12 bases deleted (CGGAGACAAATA).
Protein change: p.Gly203_Tyr206del.
Molecular consequence: inframe indel (on NM_003000.2).
Genome position (GRCh38, 1-based): chr1:17,023,998-17,024,009, TATTTGTCTCCG deleted on the plus strand (CGGAGACAAATA on the coding strand, the reverse complement: SDHB is on the minus strand); deleting any 12 consecutive bases within chr1:17,023,998-17,024,010 gives the same sequence; the c. name uses the placement nearest the transcript's 3' end. VCF-style (leftmost placement, unchanged base first): chr1-17023997-ATATTTGTCTCCG-A. GRCh37 (hg19) VCF-style: chr1-17350492-ATATTTGTCTCCG-A.
Other names: c.552_563del, p.Gly185_Tyr188del (NM_001407361.1); c.606_617del12 (NM_003000.2).
Identifiers: ClinVar variation 3438772 (VCV003438772.1).

ClinVar aggregate classification (germline): Uncertain significance (1 of 4 stars; one submission).

Conditions:
Hereditary cancer-predisposing syndrome. Also called: Tumor predisposition; Neoplastic Syndromes, Hereditary; Hereditary neoplastic syndrome; Hereditary Cancer Syndrome. Identifiers: Orphanet 140162, MedGen C0027672, MeSH D009386, MONDO:0015356.

Submission:

Ambry Genetics
Classification: Uncertain significance for Hereditary cancer-predisposing syndrome. Last evaluated: 2024-12-05. Review status: criteria provided, single submitter. Criteria: Ambry Variant Classification Scheme 2023. Collection method: clinical testing. Allele origin: germline.
Comment: The c.606_617del12 variant (also known as p.G203_Y206del) is located in coding exon 6 of the SDHB gene. This variant results from an in-frame CGGAGACAAATA deletion at nucleotide positions 606 to 617. This results in the in-frame deletion of 4 amino acids at codons 203 to 206. This amino acid region is well conserved in available vertebrate species. In addition, this alteration is predicted to be deleterious by in silico analysis (Choi Y et al. PLoS ONE. 2012; 7(10):e46688). Based on the available evidence, the clinical significance of this variant remains unclear.